The following is an entry in ClinVar:

NM_006231.4(POLE):c.3850C>G (p.Arg1284Gly)

Gene: POLE (DNA polymerase epsilon, catalytic subunit; minus strand). Cytogenetic location: 12q24.33.
Variant type: single nucleotide variant.
Coding change: c.3850C>G on transcript NM_006231.4 (MANE Select); coding-DNA position 3850, C replaced by G.
Protein change: p.Arg1284Gly; replaces arginine 1284 with glycine.
Molecular consequence: missense variant.
Genome position (GRCh38, 1-based): chr12:132,649,461, G>C on the plus strand (C>G on the coding strand, the complement: POLE is on the minus strand). VCF-style: chr12-132649461-G-C. GRCh37 (hg19) VCF-style: chr12-133226047-G-C.
Other names: c.3850C>G (NM_006231.2); short protein forms R1284G.
Identifiers: ClinVar variation 1720655 (VCV001720655.7), dbSNP rs753426630, ClinGen allele CA387385411.
Genomic context (GRCh38, chr12:132,649,461, plus strand): 5'-GCCTGAGCACACCCTCTGCCGACTCCAGACGCTGCCTCTTCCTGCGGGCGAGGCGCTGCC[G>C]GGCCTGCAGCTGCCACTTCTTCTTGTGGAACCGGAGCCAGACAAGCCATTCCTCCTGGGA-3'
Protein context (NP_006222.2, residues 1274-1294): FHKKKWQLQA[Arg1284Gly]QRLARRKRQR

ClinVar aggregate classification (germline): Uncertain significance. Review status: criteria provided, multiple submitters, no conflicts (2 of 4 stars). 2 submissions from 2 submitters: Uncertain significance (2). Last evaluated 2023-05-31.

Conditions:
Hereditary cancer-predisposing syndrome. Also called: Hereditary neoplastic syndrome; Neoplastic Syndromes, Hereditary; Hereditary Cancer Syndrome; Tumor predisposition. Identifiers: Orphanet 140162, MedGen C0027672, MeSH D009386, MONDO:0015356.

Submissions (2):

Ambry Genetics
Classification: Uncertain significance for Hereditary cancer-predisposing syndrome. Last evaluated: 2023-05-31. Review status: criteria provided, single submitter. Criteria: Ambry Variant Classification Scheme 2023. Collection method: clinical testing. Allele origin: germline.
Comment: The p.R1284G variant (also known as c.3850C>G), located in coding exon 31 of the POLE gene, results from a C to G substitution at nucleotide position 3850. The arginine at codon 1284 is replaced by glycine, an amino acid with dissimilar properties. This amino acid position is conserved. In addition, this alteration is predicted to be tolerated by in silico analysis. Since supporting evidence is limited at this time, the clinical significance of this alteration remains unclear.

Labcorp Genetics (formerly Invitae), Labcorp
Classification: Uncertain significance. Last evaluated: 2022-09-29. Review status: criteria provided, single submitter. Criteria: Invitae Variant Classification Sherloc (09022015). Collection method: clinical testing. Allele origin: germline.
Comment: In summary, the available evidence is currently insufficient to determine the role of this variant in disease. Therefore, it has been classified as a Variant of Uncertain Significance. Advanced modeling of protein sequence and biophysical properties (such as structural, functional, and spatial information, amino acid conservation, physicochemical variation, residue mobility, and thermodynamic stability) performed at Invitae indicates that this missense variant is not expected to disrupt POLE protein function. This variant has not been reported in the literature in individuals affected with POLE-related conditions. This variant is not present in population databases (gnomAD no frequency). This sequence change replaces arginine, which is basic and polar, with glycine, which is neutral and non-polar, at codon 1284 of the POLE protein (p.Arg1284Gly).